The following is an entry in ClinVar:

NM_001242896.3(DEPDC5):c.1834_1835del (p.Ser612fs)

Gene: DEPDC5 (DEP domain containing 5, GATOR1 subcomplex subunit; plus strand). Cytogenetic location: 22q12.3.
Variant type: Deletion.
Coding change: c.1834_1835del on transcript NM_001242896.3 (MANE Select); coding-DNA positions 1834 to 1835, 2 bases deleted (TC; older notation c.1834_1835delTC).
Protein change: p.Ser612fs; shifts the reading frame from serine 612.
Molecular consequence: frameshift variant. On other transcripts: non-coding transcript variant (5).
Genome position (GRCh38, 1-based): chr22:31,819,189-31,819,190, TC deleted. VCF-style (leftmost placement, unchanged base first): chr22-31819188-GTC-G. GRCh37 (hg19) VCF-style: chr22-32215174-GTC-G.
Other names: c.1834_1835del, p.Ser612fs (NM_001242897.2, NM_001363852.2, NM_001363854.2 and 6 more transcripts); c.1750_1751del, p.Ser584fs (NM_001369901.1, NM_001369902.1); short protein forms S584fs, S612fs.
Identifiers: ClinVar variation 2071117 (VCV002071117.4), dbSNP rs2519378518, ClinGen allele CA2580099651.
Genomic context (GRCh38, chr22:31,819,188, plus strand): 5'-CACGCCCCAGAGAGCACTGATTAACCCCTTCGCTCCCTCTCGGATGCCCATGAAGCTTAC[GTC>G]CAACAGAAGGCGCTGGATGCACACTTTTCCTGTGGGTAAGTTGGTTGCTTAAGAGAGAGC-3'

ClinVar aggregate classification (germline): Pathogenic (1 of 4 stars; one submission).

Conditions:
Familial focal epilepsy with variable foci (FPEVF). Identifiers: Orphanet 98820, MedGen C1858477, MONDO:0020310.

Submission:

Labcorp Genetics (formerly Invitae), Labcorp
Classification: Pathogenic for Familial focal epilepsy with variable foci. Last evaluated: 2022-01-02. Review status: criteria provided, single submitter. Criteria: Invitae Variant Classification Sherloc (09022015). Collection method: clinical testing. Allele origin: germline.
Comment: This sequence change creates a premature translational stop signal (p.Ser612Glnfs*53) in the DEPDC5 gene. It is expected to result in an absent or disrupted protein product. Loss-of-function variants in DEPDC5 are known to be pathogenic (PMID: 23542697, 23542701). This variant is not present in population databases (gnomAD no frequency). This variant has not been reported in the literature in individuals affected with DEPDC5-related conditions. For these reasons, this variant has been classified as Pathogenic.

Literature cited by the submitters: PubMed 23542697; PubMed 23542701.